The following is an entry in ClinVar:

NM_015046.7(SETX):c.4849T>C (p.Ser1617Pro)

Gene: SETX (senataxin; minus strand). Cytogenetic location: 9q34.13.
Variant type: single nucleotide variant.
Coding change: c.4849T>C on transcript NM_015046.7 (MANE Select); coding-DNA position 4849, T replaced by C.
Protein change: p.Ser1617Pro; replaces serine 1617 with proline.
Molecular consequence: missense variant.
Genome position (GRCh38, 1-based): chr9:132,326,749, A>G on the plus strand (T>C on the coding strand, the complement: SETX is on the minus strand). VCF-style: chr9-132326749-A-G. GRCh37 (hg19) VCF-style: chr9-135202136-A-G.
Other names: c.4849T>C, p.Ser1617Pro (NM_001351527.2, NM_001351528.2); short protein forms S1617P.
Identifiers: ClinVar variation 4864360 (VCV004864360.1).

ClinVar aggregate classification (germline): Uncertain significance (1 of 4 stars; one submission).

Conditions:
Inborn genetic diseases. Identifiers: MedGen C0950123, MeSH D030342.

gnomAD v4.1: 9 of 1,614,120 alleles (0.00056%); highest among the groups gnomAD compares: African/African-American, 0.011%; no homozygotes.

Submission:

Ambry Genetics
Classification: Uncertain significance for Inborn genetic diseases. Last evaluated: 2026-03-31. Review status: criteria provided, single submitter. Criteria: Ambry Variant Classification Scheme 2023. Collection method: clinical testing. Allele origin: germline.
Comment: The c.4849T>C (p.S1617P) alteration is located in exon 10 (coding exon 8) of the SETX gene. This alteration results from a T to C substitution at nucleotide position 4849, causing the serine (S) at amino acid position 1617 to be replaced by a proline (P). Based on data from gnomAD, the C allele has an overall frequency of <0.001% (1/251418) total alleles studied. The highest observed frequency was 0.006% (1/16256) of African alleles. Based on insufficient or conflicting evidence, the clinical significance of this alteration remains unclear.